The following is an entry in ClinVar:

NM_002471.4(MYH6):c.1141+4G>T

Gene: MYH6 (myosin heavy chain 6; minus strand). Cytogenetic location: 14q11.2.
Variant type: single nucleotide variant.
Coding change: c.1141+4G>T on transcript NM_002471.4 (MANE Select); 4 bases into the intron after coding-DNA position 1141, G replaced by T.
Molecular consequence: intron variant.
Genome position (GRCh38, 1-based): chr14:23,402,460, C>A on the plus strand (G>T on the coding strand, the complement: MYH6 is on the minus strand). VCF-style: chr14-23402460-C-A. GRCh37 (hg19) VCF-style: chr14-23871669-C-A.
Identifiers: ClinVar variation 2727670 (VCV002727670.3), dbSNP rs775588328, ClinGen allele CA7115894.

ClinVar aggregate classification (germline): Uncertain significance (1 of 4 stars; one submission).

Conditions:
Hypertrophic cardiomyopathy 14. Identifiers: MedGen C2750467, MONDO:0013197, OMIM 613251.

Allele frequency attached by ClinVar (database versions not stated): gnomAD exomes below 0.00001; TOPMed below 0.00001; ExAC 0.00001.
gnomAD v4.1: 1 of 1,612,806 alleles (0.000062%); highest among the groups gnomAD compares: Non-Finnish European, 0.000085%; no homozygotes.

Submission:

Labcorp Genetics (formerly Invitae), Labcorp
Classification: Uncertain significance for Hypertrophic cardiomyopathy 14. Last evaluated: 2024-12-23. Review status: criteria provided, single submitter. Criteria: Invitae Variant Classification Sherloc (09022015). Collection method: clinical testing. Allele origin: germline.
Comment: This sequence change falls in intron 12 of the MYH6 gene. It does not directly change the encoded amino acid sequence of the MYH6 protein. It affects a nucleotide within the consensus splice site. This variant is present in population databases (rs775588328, gnomAD 0.0009%). This variant has not been reported in the literature in individuals affected with MYH6-related conditions. ClinVar contains an entry for this variant (Variation ID: 2727670). Variants that disrupt the consensus splice site are a relatively common cause of aberrant splicing (PMID: 17576681, 9536098). Algorithms developed to predict the effect of sequence changes on RNA splicing suggest that this variant is not likely to affect RNA splicing. In summary, the available evidence is currently insufficient to determine the role of this variant in disease. Therefore, it has been classified as a Variant of Uncertain Significance.

Literature cited by the submitters: PubMed 17576681; PubMed 9536098.